The following is an entry in ClinVar:

ClinVar aggregate classification (germline): Likely pathogenic (1 of 4 stars; one submission).

Conditions:
T-cell lymphopenia, infantile, with or without nail dystrophy, autosomal dominant. Identifiers: Orphanet 676039, MedGen C5394133, MONDO:0032928, OMIM 618806.

Submission:

Laboratory of Hereditary Immune Disorders, Research Centre for Medical Genetics
Classification: Likely pathogenic for T-cell lymphopenia, infantile, with or without nail dystrophy, autosomal dominant. Last evaluated: 2023-12-02. Review status: criteria provided, single submitter. Criteria: ACMG Guidelines, 2015. Collection method: clinical testing. Allele origin: maternal. Inheritance: Autosomal dominant inheritance. Affected: yes. Observed: 1 heterozygote.
Comment: It occurred de novo. It is not listed in gnomAD v2.1.1. FOXN1 haploinsufficiency is described to cause low TRECs and severe T cell lymphopenia (PMID: 31447097). Taken together, the variant meets the following ACMG/AMP criteria and can be classified as likely pathogenic with PM2, PVS1, PP4 criteria.

Literature cited by the submitters: PubMed 38578360.

NM_001369369.1(FOXN1):c.85C>T (p.Gln29Ter)

Gene: FOXN1 (forkhead box N1; plus strand). Cytogenetic location: 17q11.2.
Variant type: single nucleotide variant.
Coding change: c.85C>T on transcript NM_001369369.1 (MANE Select); coding-DNA position 85, C replaced by T.
Protein change: p.Gln29Ter; replaces glutamine 29 with a stop codon.
Molecular consequence: nonsense.
Genome position (GRCh38, 1-based): chr17:28,524,054, C>T. VCF-style: chr17-28524054-C-T. GRCh37 (hg19) VCF-style: chr17-26851072-C-T.
Other names: c.85C>T, p.Gln29Ter (NM_003593.3); short protein forms Q29*.
Identifiers: ClinVar variation 3902823 (VCV003902823.1).